The following is an entry in ClinVar:

ClinVar aggregate classification (germline): Benign. Review status: criteria provided, multiple submitters, no conflicts (2 of 4 stars). 4 submissions from 3 submitters: Benign (4). Last evaluated 2021-07-01.

Conditions:
Mucolipidosis type II. Also called: Mucolipidosis II Alpha/Beta; ML II ALPHA/BETA; Mucolipidosis 2; ML 2; Inclusion cell disease; Leroy Disease. Identifiers: Orphanet 576, MedGen C2673377, MONDO:0009650, OMIM 252500.
Pseudo-Hurler polydystrophy. Also called: MUCOLIPIDOSIS IIIA; ML III; ML III ALPHA/BETA; Type III Mucolipidosis; ML IIIA; Mucolipidosis III Alpha/Beta. Identifiers: Orphanet 423461, Orphanet 577, MedGen C0033788, MONDO:0018931, OMIM 252600.

Allele frequency attached by ClinVar (database versions not stated): gnomAD 0.12389 and 0.13117; TOPMed 0.13270; 1000 Genomes Project 30x 0.20175; 1000 Genomes Project 0.21146.
gnomAD v4.1: 182,718 of 1,481,270 alleles (12%); highest among the groups gnomAD compares: East Asian, 49%; 15,379 homozygotes.

Submissions (8):

Genome-Nilou Lab
Classification: Benign for Mucolipidosis type II. Last evaluated: 2021-07-01. Review status: criteria provided, single submitter. Criteria: ACMG Guidelines, 2015. Collection method: clinical testing. Allele origin: germline. Affected: no.

Genome-Nilou Lab
Classification: Benign for Pseudo-Hurler polydystrophy. Last evaluated: 2021-07-01. Review status: criteria provided, single submitter. Criteria: ACMG Guidelines, 2015. Collection method: clinical testing. Allele origin: germline. Affected: no.

GeneDx
Classification: Benign. Last evaluated: 2018-06-19. Review status: criteria provided, single submitter. Criteria: GeneDx Variant Classification (06012015). Collection method: clinical testing. Allele origin: germline. Affected: yes.
Comment: This variant is considered likely benign or benign based on one or more of the following criteria: it is a conservative change, it occurs at a poorly conserved position in the protein, it is predicted to be benign by multiple in silico algorithms, and/or has population frequency not consistent with disease.

Breakthrough Genomics
Classification: Benign. Review status: criteria provided, single submitter. Criteria: ACMG Guidelines, 2015. Collection method: not provided. Allele origin: germline. Inheritance: Autosomal recessive inheritance. Affected: yes.

Dr. Peter K. Rogan Lab, Western University
No classification provided (evidence only). Condition: Malignant lymphoma, large B-cell, diffuse. Review status: no classification provided. Collection method: in vitro. Allele origin: not applicable. Functional consequence: skipped exon. Not counted in ClinVar's aggregate classification.

Dr. Peter K. Rogan Lab, Western University
No classification provided (evidence only). Condition: Malignant lymphoma, large B-cell, diffuse. Review status: no classification provided. Collection method: in vitro. Allele origin: not applicable. Functional consequence: retained intron. Not counted in ClinVar's aggregate classification.

Dr. Peter K. Rogan Lab, Western University
No classification provided (evidence only). Condition: Cholangiocarcinoma. Review status: no classification provided. Collection method: in vitro. Allele origin: not applicable. Functional consequence: retained intron. Not counted in ClinVar's aggregate classification.

Dr. Peter K. Rogan Lab, Western University
No classification provided (evidence only). Condition: Cholangiocarcinoma. Review status: no classification provided. Collection method: in vitro. Allele origin: not applicable. Functional consequence: retained intron. Not counted in ClinVar's aggregate classification.

NM_024312.5(GNPTAB):c.204-103G>T

Gene: GNPTAB (N-acetylglucosamine-1-phosphate transferase subunits alpha and beta; minus strand). Cytogenetic location: 12q23.2.
Variant type: single nucleotide variant.
Coding change: c.204-103G>T on transcript NM_024312.5 (MANE Select); 103 bases into the intron before coding-DNA position 204, G replaced by T.
Molecular consequence: intron variant.
Genome position (GRCh38, 1-based): chr12:101,790,160, C>A on the plus strand (G>T on the coding strand, the complement: GNPTAB is on the minus strand). VCF-style: chr12-101790160-C-A. GRCh37 (hg19) VCF-style: chr12-102183938-C-A.
Other names: NC_000012.11:g.102183938C>A.
Identifiers: ClinVar variation 671991 (VCV000671991.6), dbSNP rs11111024, ClinGen allele CA242476484.
Genomic context (GRCh38, chr12:101,790,160, plus strand): 5'-CAATATATTTGGTAATAAGAATATCACAGGGTTTAAACCCAGAGATTATGAAAAAAATCT[C>A]TGAAGAAGTAATCCAACCATGACATATTATCACAGAACTGCATGTTTTCAAACTGTAGCT-3'